The following is an entry in ClinVar:

ClinVar aggregate classification (germline): Benign/Likely benign. Review status: criteria provided, multiple submitters, no conflicts (2 of 4 stars). 4 submissions from 4 submitters: Benign (2); Likely benign (2). Last evaluated 2026-02-01.

Conditions:
GNPTG-mucolipidosis. Also called: Mucolipidosis type III gamma; ML III GAMMA; ML IIIC; MUCOLIPIDOSIS III, COMPLEMENTATION GROUP C; MUCOLIPIDOSIS III, IRANIAN VARIANT FORM; MUCOLIPIDOSIS III, VARIANT FORM. Identifiers: Orphanet 423470, Orphanet 577, MedGen C1854896, MONDO:0009652, OMIM 252605.

Allele frequency attached by ClinVar (database versions not stated): gnomAD exomes 0.00190; ExAC 0.00242; ESP Exome Variant Server 0.00655; 1000 Genomes Project 0.00819; 1000 Genomes Project 30x 0.00953.
gnomAD v4.1: 2,182 of 1,612,536 alleles (0.14%); highest among the groups gnomAD compares: African/African-American, 2.5%; 35 homozygotes.

Submissions (4):

Labcorp Genetics (formerly Invitae), Labcorp
Classification: Benign. Last evaluated: 2026-02-01. Review status: criteria provided, single submitter. Criteria: Invitae Variant Classification Sherloc (09022015). Collection method: clinical testing. Allele origin: germline.

Fulgent Genetics
Classification: Likely benign for GNPTG-mucolipidosis. Last evaluated: 2022-04-08. Review status: criteria provided, single submitter. Criteria: ACMG Guidelines, 2015. Collection method: clinical testing. Allele origin: unknown.

GeneDx
Classification: Likely benign. Last evaluated: 2019-03-24. Review status: criteria provided, single submitter. Criteria: GeneDx Variant Classification Process June 2021. Collection method: clinical testing. Allele origin: germline. Affected: yes.
Comment: See Variant Classification Assertion Criteria.

Breakthrough Genomics
Classification: Benign. Review status: criteria provided, single submitter. Criteria: ACMG Guidelines, 2015. Collection method: not provided. Allele origin: germline. Inheritance: Autosomal recessive inheritance. Affected: yes.

NM_032520.5(GNPTG):c.318-18G>A

Gene: GNPTG (N-acetylglucosamine-1-phosphate transferase subunit gamma; plus strand). Cytogenetic location: 16p13.3.
Variant type: single nucleotide variant.
Coding change: c.318-18G>A on transcript NM_032520.5 (MANE Select); 18 bases into the intron before coding-DNA position 318, G replaced by A.
Molecular consequence: intron variant.
Genome position (GRCh38, 1-based): chr16:1,362,020, G>A. VCF-style: chr16-1362020-G-A. GRCh37 (hg19) VCF-style: chr16-1412021-G-A.
Identifiers: ClinVar variation 1165418 (VCV001165418.12), dbSNP rs148378749, ClinGen allele CA7807629.